The following is an entry in ClinVar:

NC_000006.12:g.(?_42974865)_(42975048_?)del

Gene: PEX6 (peroxisomal biogenesis factor 6; minus strand). Cytogenetic location: 6p21.1.
Variant type: Deletion.
Identifiers: ClinVar variation 830981 (VCV000830981.7).

ClinVar aggregate classification (germline): Pathogenic (1 of 4 stars; one submission).

Conditions:
Peroxisome biogenesis disorder. Identifiers: Orphanet 79189, MedGen C1832200, MONDO:0019234. Disease mechanism: loss of function.

Submission:

Labcorp Genetics (formerly Invitae), Labcorp
Classification: Pathogenic for Peroxisome biogenesis disorder. Last evaluated: 2019-09-30. Review status: criteria provided, single submitter. Criteria: Invitae Variant Classification Sherloc (09022015). Collection method: clinical testing. Allele origin: germline.
Comment: For these reasons, this variant has been classified as Pathogenic. Loss-of-function variants in PEX6 are known to be pathogenic (PMID: 8670792, 19877282, 21031596). This variant has not been reported in the literature in individuals with PEX6-related conditions. This variant is an out-of-frame deletion of the genomic region encompassing exon 2 of the PEX6 gene. This is expected to create a premature translational stop signal and result in an absent or disrupted protein product.

Literature cited by the submitters: PubMed 8670792; PubMed 19877282; PubMed 21031596.